The following is an entry in ClinVar:

ClinVar aggregate classification (germline): Pathogenic (1 of 4 stars; one submission).

Submission:

Labcorp Genetics (formerly Invitae), Labcorp
Classification: Pathogenic. Last evaluated: 2023-08-22. Review status: criteria provided, single submitter. Criteria: Invitae Variant Classification Sherloc (09022015). Collection method: clinical testing. Allele origin: germline.
Comment: This variant has not been reported in the literature in individuals affected with COL7A1-related conditions. For these reasons, this variant has been classified as Pathogenic. Algorithms developed to predict the effect of sequence changes on RNA splicing suggest that this variant may create or strengthen a splice site. This variant is not present in population databases (gnomAD no frequency). This sequence change creates a premature translational stop signal (p.Tyr805*) in the COL7A1 gene. It is expected to result in an absent or disrupted protein product. Loss-of-function variants in COL7A1 are known to be pathogenic (PMID: 16971478).

Literature cited by the submitters: PubMed 16971478.

NM_000094.4(COL7A1):c.2415C>G (p.Tyr805Ter)

Gene: COL7A1 (collagen type VII alpha 1 chain; minus strand). Cytogenetic location: 3p21.31.
Variant type: single nucleotide variant.
Coding change: c.2415C>G on transcript NM_000094.4 (MANE Select); coding-DNA position 2415, C replaced by G.
Protein change: p.Tyr805Ter; replaces tyrosine 805 with a stop codon.
Molecular consequence: nonsense.
Genome position (GRCh38, 1-based): chr3:48,588,895, G>C on the plus strand (C>G on the coding strand, the complement: COL7A1 is on the minus strand). VCF-style: chr3-48588895-G-C. GRCh37 (hg19) VCF-style: chr3-48626328-G-C.
Other names: short protein forms Y805*.
Identifiers: ClinVar variation 2832547 (VCV002832547.3), dbSNP rs2045488356, ClinGen allele CA352720512.